The following is an entry in ClinVar:

NM_006506.5(RASA2):c.820G>A (p.Val274Ile)

Gene: RASA2 (RAS p21 protein activator 2; plus strand). Cytogenetic location: 3q23.
Variant type: single nucleotide variant.
Coding change: c.820G>A on transcript NM_006506.5 (MANE Select); coding-DNA position 820, G replaced by A.
Protein change: p.Val274Ile; replaces valine 274 with isoleucine.
Molecular consequence: missense variant.
Genome position (GRCh38, 1-based): chr3:141,559,952, G>A. VCF-style: chr3-141559952-G-A. GRCh37 (hg19) VCF-style: chr3-141278794-G-A.
Other names: c.820G>A, p.Val274Ile (NM_001303245.3, NM_001303246.3); short protein forms V274I.
Identifiers: ClinVar variation 3430481 (VCV003430481.1).
Genomic context (GRCh38, chr3:141,559,952, plus strand): 5'-AGGATCGACTTGTGGAACAATGGAAACCTAGTCCAAGATGTTTTCCTAGGTGAGATTAAG[G>A]TTCCTGTGAACGTATTAAGAACTGATTCCTCTCATCAAGCCTGGTAAGGGCCCAGCATTT-3'
Protein context (NP_006497.2, residues 264-284): VQDVFLGEIK[Val274Ile]PVNVLRTDSS

ClinVar aggregate classification (germline): Uncertain significance (1 of 4 stars; one submission).

gnomAD v4.1: 2 of 1,613,264 alleles (0.00012%); highest among the groups gnomAD compares: Non-Finnish European, 0.00017%; no homozygotes.

Submission:

Ambry Genetics
Classification: Uncertain significance. Last evaluated: 2024-10-27. Review status: criteria provided, single submitter. Criteria: Ambry Variant Classification Scheme 2023. Collection method: clinical testing. Allele origin: germline.
Comment: The p.V274I variant (also known as c.820G>A), located in coding exon 9 of the RASA2 gene, results from a G to A substitution at nucleotide position 820. The valine at codon 274 is replaced by isoleucine, an amino acid with highly similar properties. This amino acid position is conserved. In addition, this alteration is predicted to be tolerated by in silico analysis. Based on the available evidence, the clinical significance of this variant remains unclear.